The following is an entry in ClinVar:

NM_021067.5(GINS1):c.164G>A (p.Arg55Gln)

Gene: GINS1 (GINS complex subunit 1; plus strand). Cytogenetic location: 20p11.21.
Variant type: single nucleotide variant.
Coding change: c.164G>A on transcript NM_021067.5 (MANE Select); coding-DNA position 164, G replaced by A.
Protein change: p.Arg55Gln; replaces arginine 55 with glutamine.
Molecular consequence: missense variant. On other transcripts: non-coding transcript variant (1).
Genome position (GRCh38, 1-based): chr20:25,417,127, G>A. VCF-style: chr20-25417127-G-A. GRCh37 (hg19) VCF-style: chr20-25397763-G-A.
Other names: short protein forms R55Q.
Identifiers: ClinVar variation 1510852 (VCV001510852.6), dbSNP rs368823946, ClinGen allele CA9796444.

ClinVar aggregate classification (germline): Uncertain significance (1 of 4 stars; one submission).

gnomAD v4.1: 19 of 1,577,608 alleles (0.0012%); highest among the groups gnomAD compares: African/African-American, 0.011%; no homozygotes.

Submission:

Labcorp Genetics (formerly Invitae), Labcorp
Classification: Uncertain significance. Last evaluated: 2024-11-29. Review status: criteria provided, single submitter. Criteria: Invitae Variant Classification Sherloc (09022015). Collection method: clinical testing. Allele origin: germline.
Comment: This sequence change replaces arginine, which is basic and polar, with glutamine, which is neutral and polar, at codon 55 of the GINS1 protein (p.Arg55Gln). The frequency data for this variant in the population databases is considered unreliable, as metrics indicate poor data quality at this position in the gnomAD database. This variant has not been reported in the literature in individuals affected with GINS1-related conditions. ClinVar contains an entry for this variant (Variation ID: 1510852). An algorithm developed to predict the effect of missense changes on protein structure and function outputs the following: PolyPhen-2: "Benign". The glutamine amino acid residue is found in multiple mammalian species, which suggests that this missense change does not adversely affect protein function. In summary, the available evidence is currently insufficient to determine the role of this variant in disease. Therefore, it has been classified as a Variant of Uncertain Significance.